The following is an entry in ClinVar:

NM_000059.4(BRCA2):c.7394C>T (p.Ala2465Val)

Gene: BRCA2 (BRCA2 DNA repair associated; plus strand). Cytogenetic location: 13q13.1.
Variant type: single nucleotide variant.
Coding change: c.7394C>T on transcript NM_000059.4 (MANE Select); coding-DNA position 7394, C replaced by T.
Protein change: p.Ala2465Val; replaces alanine 2465 with valine.
Molecular consequence: missense variant.
Genome position (GRCh38, 1-based): chr13:32,355,247, C>T. VCF-style: chr13-32355247-C-T. GRCh37 (hg19) VCF-style: chr13-32929384-C-T.
Other names: short protein forms A2465V.
Identifiers: ClinVar variation 52316 (VCV000052316.25), dbSNP rs80358960, ClinGen allele CA025052.

ClinVar aggregate classification (germline): Conflicting classifications of pathogenicity. Review status: criteria provided, conflicting classifications (1 of 4 stars). 10 submissions from 10 submitters: Uncertain significance (6); Likely benign (2). 2 of the submissions do not count toward it. Last evaluated 2026-01-21.

Conditions:
Hereditary breast ovarian cancer syndrome. Also called: Hereditary breast and ovarian cancer syndrome; Hereditary breast and ovarian cancer; Hereditary breast and ovarian cancer syndrome (HBOC); Breast and ovarian cancer; Hereditary breast and/or ovarian cancer syndrome; BRCA1- and BRCA2-Associated Hereditary Breast and Ovarian Cancer. Identifiers: Orphanet 145, MedGen C0677776, MeSH D061325, MONDO:0003582. Disease mechanism: loss of function.
Hereditary cancer. Identifiers: MedGen C1333600.
BRCA2-related cancer predisposition. Identifiers: MedGen CN377758, MONDO:0700269.
Hereditary cancer-predisposing syndrome. Also called: Neoplastic Syndromes, Hereditary; Tumor predisposition; Hereditary neoplastic syndrome; Hereditary Cancer Syndrome. Identifiers: Orphanet 140162, MedGen C0027672, MeSH D009386, MONDO:0015356.
Breast-ovarian cancer, familial, susceptibility to, 2 (BROVCA2). Also called: BRCA2 Hereditary Breast and Ovarian Cancer. Identifiers: Orphanet 145, MedGen C2675520, MONDO:0012933, OMIM 612555. Disease mechanism: loss of function.

Allele frequency attached by ClinVar (database versions not stated): gnomAD exomes below 0.00001 and 0.00001; gnomAD 0.00001; ExAC 0.00002.
gnomAD v4.1: 4 of 1,613,062 alleles (0.00025%); highest among the groups gnomAD compares: East Asian, 0.0022%; no homozygotes.

Submissions (10):

Labcorp Genetics (formerly Invitae), Labcorp
Classification: Uncertain significance for Hereditary breast ovarian cancer syndrome. Last evaluated: 2026-01-21. Review status: criteria provided, single submitter. Criteria: Invitae Variant Classification Sherloc (09022015). Collection method: clinical testing. Allele origin: germline.
Comment: This sequence change replaces alanine, which is neutral and non-polar, with valine, which is neutral and non-polar, at codon 2465 of the BRCA2 protein (p.Ala2465Val). This variant is present in population databases (rs80358960, gnomAD 0.01%). This missense change has been observed in individual(s) with BRCA2-related conditions (PMID: 10923033). ClinVar contains an entry for this variant (Variation ID: 52316). Invitae Evidence Modeling of protein sequence and biophysical properties (such as structural, functional, and spatial information, amino acid conservation, physicochemical variation, residue mobility, and thermodynamic stability) indicates that this missense variant is not expected to disrupt BRCA2 protein function with a negative predictive value of 95%. In summary, the available evidence is currently insufficient to determine the role of this variant in disease. Therefore, it has been classified as a Variant of Uncertain Significance.

Ambry Genetics
Classification: Uncertain significance for Hereditary cancer-predisposing syndrome. Last evaluated: 2025-11-26. Review status: criteria provided, single submitter. Criteria: Ambry Variant Classification Scheme 2023. Collection method: clinical testing. Allele origin: germline.

Quest Diagnostics Nichols Institute San Juan Capistrano
Classification: Uncertain significance. Last evaluated: 2024-10-12. Review status: criteria provided, single submitter. Criteria: Quest Diagnostics criteria. Collection method: clinical testing. Allele origin: unknown.
Comment: The BRCA2 c.7394C>T (p.Ala2465Val) variant has been reported in the published literature in a prostate cancer tumor (PMID: 36922933 (2022)). The frequency of this variant in the general population, 0.00015 (3/19936 chromosomes (Genome Aggregation Database)), is uninformative in the assessment of its pathogenicity. Analysis of this variant using bioinformatics tools for the prediction of the effect of amino acid changes on protein structure and function yielded predictions that this variant is benign. Based on the available information, we are unable to determine the clinical significance of this variant.

Mendelics
Classification: Likely benign for Hereditary cancer. Last evaluated: 2024-09-11. Review status: criteria provided, single submitter. Criteria: ACMG Guidelines, 2015. Collection method: clinical testing. Allele origin: unknown.
Comment: This variant is considered likely benign or benign based on one or more of the following: it is predicted to be benign by multiple in silico algorithms, and/or has population frequency not consistent with disease, and/or has normal protein function, and/or has lack of segregation with disease, and/or has been detected in co-occurrence with known pathogenic variant, and/or has lack of disease association in case-control studies, and/or is located in a region inconsistent with a known cause of pathogenicity.

Department of Pathology and Laboratory Medicine, Sinai Health System
Classification: Likely benign for BRCA2-related cancer predisposition. Last evaluated: 2024-07-12. Review status: criteria provided, single submitter. Criteria: ACMG Guidelines, 2015. Collection method: clinical testing. Allele origin: germline.

Women's Health and Genetics/Laboratory Corporation of America, LabCorp
Classification: Uncertain significance. Last evaluated: 2023-11-15. Review status: criteria provided, single submitter. Criteria: LabCorp Variant Classification Summary - May 2015. Collection method: clinical testing. Allele origin: germline.
Comment: Variant summary: BRCA2 c.7394C>T (p.Ala2465Val) results in a non-conservative amino acid change in the encoded protein sequence. Four of five in-silico tools predict a benign effect of the variant on protein function. The variant allele was found at a frequency of 1.2e-05 in 251094 control chromosomes. The available data on variant occurrences in the general population are insufficient to allow any conclusion about variant significance. To our knowledge, no occurrence of c.7394C>T in individuals affected with Hereditary Breast And Ovarian Cancer Syndrome and no experimental evidence demonstrating its impact on protein function have been reported. Four submitters have cited clinical-significance assessments for this variant to ClinVar after 2014. All submitters classified the variant as uncertain significance. Based on the evidence outlined above, the variant was classified as uncertain significance.

All of Us Research Program, National Institutes of Health
Classification: Uncertain significance for Breast-ovarian cancer, familial, susceptibility to, 2. Last evaluated: 2023-05-31. Review status: criteria provided, single submitter. Criteria: ACMG Guidelines, 2015. Collection method: clinical testing. Allele origin: germline. Inheritance: Autosomal dominant inheritance. Observed: 1 variant allele, 1 heterozygote.
Comment: This study involves interpretation of variants in research participants for the purpose of population health screening. Participant phenotype was not available at the time of variant classification. Additional details can be found in publication PMID: 35346344, PMCID: PMC8962531

Color Diagnostics, LLC DBA Color Health
Classification: Uncertain significance for Hereditary cancer-predisposing syndrome. Last evaluated: 2019-01-18. Review status: criteria provided, single submitter. Criteria: ACMG Guidelines, 2015. Collection method: clinical testing. Allele origin: germline.

Counsyl
Classification: Uncertain significance for Breast-ovarian cancer, familial, susceptibility to, 2. Last evaluated: 2017-03-24. Review status: no assertion criteria provided. Collection method: clinical testing. Allele origin: unknown. Not counted in ClinVar's aggregate classification.

Breast Cancer Information Core (BIC) (BRCA2)
Classification: Uncertain significance for Breast-ovarian cancer, familial 2. Last evaluated: 2002-05-29. Review status: no assertion criteria provided. Collection method: clinical testing. Allele origin: germline. Affected: yes. Observed: 1 variant allele. Not counted in ClinVar's aggregate classification.

Literature cited by the submitters: PubMed 10923033 (cited by Labcorp Genetics (formerly Invitae), Labcorp); PubMed 36922933 (cited by Quest Diagnostics Nichols Institute San Juan Capistrano).